The following is an entry in ClinVar:

NM_020435.4(GJC2):c.661G>C (p.Ala221Pro)

Gene: GJC2 (gap junction protein gamma 2; plus strand). Cytogenetic location: 1q42.13.
Variant type: single nucleotide variant.
Coding change: c.661G>C on transcript NM_020435.4 (MANE Select); coding-DNA position 661, G replaced by C.
Protein change: p.Ala221Pro; replaces alanine 221 with proline.
Molecular consequence: missense variant.
Genome position (GRCh38, 1-based): chr1:228,158,419, G>C. VCF-style: chr1-228158419-G-C. GRCh37 (hg19) VCF-style: chr1-228346120-G-C.
Other names: short protein forms A221P.
Identifiers: ClinVar variation 1387785 (VCV001387785.7), dbSNP rs767296387, ClinGen allele CA345098922.

ClinVar aggregate classification (germline): Uncertain significance. Review status: criteria provided, multiple submitters, no conflicts (2 of 4 stars). 2 submissions from 2 submitters: Uncertain significance (2). Last evaluated 2025-02-15.

Conditions:
Spastic paraplegia. Identifiers: MedGen C0037772, HP:0001258.
Leukodystrophy, hypomyelinating, 2. Also called: PELIZAEUS-MERZBACHER-LIKE DISEASE, 1. Identifiers: Orphanet 280270, Orphanet 280282, MedGen C1837355, MONDO:0012125, OMIM 608804.

Submissions (2):

3billion
Classification: Uncertain significance for Leukodystrophy, hypomyelinating, 2. Last evaluated: 2025-02-15. Review status: criteria provided, single submitter. Criteria: ACMG Guidelines, 2015. Collection method: clinical testing. Allele origin: germline. Affected: yes.
Comment: The variant is not observed in the gnomAD v4.1.0 dataset. Predicted Consequence/Location: Missense variant In silico tool predictions suggest damaging effect of the variant on gene or gene product [REVEL: 0.86 (>=0.6, sensitivity 0.68 and specificity 0.92)]. The variant has been reported as of uncertain significance (ClinVar ID: VCV001387785). Different missense changes at the same codon have been reported as of uncertain significance (ClinVar ID: VCV001446406). Therefore, this variant is classified as VUS according to the recommendation of ACMG/AMP guideline.

Labcorp Genetics (formerly Invitae), Labcorp
Classification: Uncertain significance for Spastic paraplegia. Last evaluated: 2022-12-15. Review status: criteria provided, single submitter. Criteria: Invitae Variant Classification Sherloc (09022015). Collection method: clinical testing. Allele origin: germline.
Comment: This variant is not present in population databases (gnomAD no frequency). In summary, the available evidence is currently insufficient to determine the role of this variant in disease. Therefore, it has been classified as a Variant of Uncertain Significance. Algorithms developed to predict the effect of missense changes on protein structure and function (SIFT, PolyPhen-2, Align-GVGD) all suggest that this variant is likely to be disruptive. ClinVar contains an entry for this variant (Variation ID: 1387785). This variant has not been reported in the literature in individuals affected with GJC2-related conditions. This sequence change replaces alanine, which is neutral and non-polar, with proline, which is neutral and non-polar, at codon 221 of the GJC2 protein (p.Ala221Pro).